The following is an entry in ClinVar:

NM_018834.6(MATR3):c.764G>A (p.Arg255His)

Gene: MATR3 (matrin 3; plus strand). Cytogenetic location: 5q31.2.
Variant type: single nucleotide variant.
Coding change: c.764G>A on transcript NM_018834.6 (MANE Select); coding-DNA position 764, G replaced by A.
Protein change: p.Arg255His; replaces arginine 255 with histidine.
Molecular consequence: missense variant. On other transcripts: intron variant (11).
Genome position (GRCh38, 1-based): chr5:139,308,179, G>A. VCF-style: chr5-139308179-G-A. GRCh37 (hg19) VCF-style: chr5-138643868-G-A.
Other names: c.764G>A, p.Arg255His (NM_001194954.2, NM_001194955.2, NM_001400441.1 and 16 more transcripts); c.52-6496G>A (NM_001400459.1); c.-102-6496G>A (NM_001400463.1, NM_001400460.1, NM_001282278.2 and 3 more transcripts); c.-40-7518G>A (NM_001400462.1, NM_001400467.1); c.13-6496G>A (NM_001400461.1); c.49-6496G>A (NM_001194956.2); short protein forms R255H.
Identifiers: ClinVar variation 3627476 (VCV003627476.2).
Genomic context (GRCh38, chr5:139,308,179, plus strand): 5'-TTTTTGGTGAGACCTCGCATAACTATCATAAATTTGACAGTGAGTATGAGAGAATGGGAC[G>A]TGGTCCTGGCCCCTTACAAGAGAGATCTCTCTTTGAGAAAAAGAGAGGCGCTCCTCCAAG-3'
Protein context (NP_061322.2, residues 245-265): KFDSEYERMG[Arg255His]GPGPLQERSL

ClinVar aggregate classification (germline): Uncertain significance (1 of 4 stars; one submission).

Conditions:
Amyotrophic lateral sclerosis type 21. Also called: VOCAL CORD AND PHARYNGEAL DYSFUNCTION WITH DISTAL MYOPATHY; MYOPATHY, DISTAL, 2. Identifiers: Orphanet 600, Orphanet 803, MedGen C3807521, MONDO:0011632, OMIM 606070.

gnomAD v4.1: 2 of 1,614,086 alleles (0.00012%); highest among the groups gnomAD compares: East Asian, 0.0022%; no homozygotes.

Submission:

Labcorp Genetics (formerly Invitae), Labcorp
Classification: Uncertain significance for Amyotrophic lateral sclerosis type 21. Last evaluated: 2024-05-22. Review status: criteria provided, single submitter. Criteria: Invitae Variant Classification Sherloc (09022015). Collection method: clinical testing. Allele origin: germline.
Comment: This sequence change replaces arginine, which is basic and polar, with histidine, which is basic and polar, at codon 255 of the MATR3 protein (p.Arg255His). This variant is not present in population databases (gnomAD no frequency). This variant has not been reported in the literature in individuals affected with MATR3-related conditions. Advanced modeling of protein sequence and biophysical properties (such as structural, functional, and spatial information, amino acid conservation, physicochemical variation, residue mobility, and thermodynamic stability) performed at Invitae indicates that this missense variant is not expected to disrupt MATR3 protein function with a negative predictive value of 80%. In summary, the available evidence is currently insufficient to determine the role of this variant in disease. Therefore, it has been classified as a Variant of Uncertain Significance.